The following is an entry in ClinVar:

NM_000321.3(RB1):c.1814+1307C>G

Gene: RB1 (RB transcriptional corepressor 1; plus strand). Cytogenetic location: 13q14.2.
Variant type: single nucleotide variant.
Coding change: c.1814+1307C>G on transcript NM_000321.3 (MANE Select); 1307 bases into the intron after coding-DNA position 1814, C replaced by G.
Molecular consequence: intron variant.
Genome position (GRCh38, 1-based): chr13:48,454,418, C>G. VCF-style: chr13-48454418-C-G. GRCh37 (hg19) VCF-style: chr13-49028554-C-G.
Other names: c.1814+1307C>G (NM_001407165.1).
Identifiers: ClinVar variation 4544282 (VCV004544282.1).
Genomic context (GRCh38, chr13:48,454,418, plus strand): 5'-ACTTGTACCCAAAGTGTTTCTGGCATATGGAGACCCTGCCTTCATGTATACATTTGTTTC[C>G]TAAGTAATGCATTGTATAAATAAGTTAAGCCTTGTTTTTTTAAAATTCAAGAAGCAGTCA-3'

ClinVar aggregate classification (germline): Pathogenic (1 of 4 stars; one submission).

Conditions:
Hereditary cancer-predisposing syndrome. Also called: Tumor predisposition; Hereditary Cancer Syndrome; Hereditary neoplastic syndrome; Neoplastic Syndromes, Hereditary. Identifiers: Orphanet 140162, MedGen C0027672, MeSH D009386, MONDO:0015356.

Submission:

Ambry Genetics
Classification: Pathogenic for Hereditary cancer-predisposing syndrome. Last evaluated: 2025-11-20. Review status: criteria provided, single submitter. Criteria: Ambry Variant Classification Scheme 2023. Collection method: clinical testing. Allele origin: germline.
Comment: The c.1814+1307C>G intronic pathogenic variant results from a C to G substitution 1307 nucleotides after coding exon 18 in the RB1 gene. This variant was reported in individuals with features consistent with RB1-related hereditary retinoblastoma (Soliman SE et al. Ophthalmic Genet, 2018 Apr;39:288-290; Ambry internal data). This variant is considered to be rare based on population cohorts in the Genome Aggregation Database (gnomAD). This nucleotide position is not well conserved in available vertebrate species. In silico splice site analysis predicts that this alteration will result in the creation or strengthening of a novel splice donor site. RNA studies have demonstrated that this alteration results in abnormal splicing in the set of samples tested (Soliman SE et al. Ophthalmic Genet, 2018 Apr;39:288-290; Ambry internal data). Based on the supporting evidence, this variant is interpreted as a disease-causing mutation.

Literature cited by the submitters: PubMed 29099630.